The following is an entry in ClinVar:

ClinVar aggregate classification (germline): Benign. Review status: criteria provided, multiple submitters, no conflicts (2 of 4 stars). 2 submissions from 2 submitters: Benign (2). Last evaluated 2018-06-14.

Allele frequency attached by ClinVar (database versions not stated): 1000 Genomes Project 0.15276; 1000 Genomes Project 30x 0.15740; TOPMed 0.21696; gnomAD 0.22139 and 0.22147.

Submissions (2):

GeneDx
Classification: Benign. Last evaluated: 2018-06-14. Review status: criteria provided, single submitter. Criteria: GeneDx Variant Classification (06012015). Collection method: clinical testing. Allele origin: germline. Affected: yes.
Comment: This variant is considered likely benign or benign based on one or more of the following criteria: it is a conservative change, it occurs at a poorly conserved position in the protein, it is predicted to be benign by multiple in silico algorithms, and/or has population frequency not consistent with disease.

Breakthrough Genomics
Classification: Benign. Review status: criteria provided, single submitter. Criteria: ACMG Guidelines, 2015. Collection method: not provided. Allele origin: germline. Inheritance: Autosomal recessive inheritance. Affected: yes.

NM_003383.5(VLDLR):c.1822+168A>G

Gene: VLDLR (very low density lipoprotein receptor; plus strand). Cytogenetic location: 9p24.2.
Variant type: single nucleotide variant.
Coding change: c.1822+168A>G on transcript NM_003383.5 (MANE Select); 168 bases into the intron after coding-DNA position 1822, A replaced by G.
Molecular consequence: intron variant.
Genome position (GRCh38, 1-based): chr9:2,647,760, A>G. VCF-style: chr9-2647760-A-G. GRCh37 (hg19) VCF-style: chr9-2647760-A-G.
Other names: c.1822+168A>G (NM_001018056.3); c.1699+168A>G (NM_001322225.2, NM_001322226.2).
Identifiers: ClinVar variation 670831 (VCV000670831.2), dbSNP rs6475888, ClinGen allele CA13111936.